The following is an entry in ClinVar:

ClinVar aggregate classification (germline): Uncertain significance (1 of 4 stars; one submission).

Conditions:
Multiple congenital exostosis (EXT). Also called: Multiple osteochondromas; Multiple exostoses; Hereditary multiple osteochondromas; Hereditary multiple exostoses; Hereditary multiple exostosis; MULTIPLE CARTILAGINOUS EXOSTOSES. Identifiers: Orphanet 321, MedGen C0015306, MONDO:0005508, HP:0002762.

Submission:

Labcorp Genetics (formerly Invitae), Labcorp
Classification: Uncertain significance for Multiple congenital exostosis. Last evaluated: 2024-11-19. Review status: criteria provided, single submitter. Criteria: Invitae Variant Classification Sherloc (09022015). Collection method: clinical testing. Allele origin: germline.
Comment: This sequence change replaces proline, which is neutral and non-polar, with serine, which is neutral and polar, at codon 337 of the EXT1 protein (p.Pro337Ser). This variant is not present in population databases (gnomAD no frequency). This variant has not been reported in the literature in individuals affected with EXT1-related conditions. Invitae Evidence Modeling of protein sequence and biophysical properties (such as structural, functional, and spatial information, amino acid conservation, physicochemical variation, residue mobility, and thermodynamic stability) indicates that this missense variant is not expected to disrupt EXT1 protein function with a negative predictive value of 80%. This variant disrupts the p.Pro337 amino acid residue in EXT1. Other variant(s) that disrupt this residue have been determined to be pathogenic (PMID: 23439489). This suggests that this residue is clinically significant, and that variants that disrupt this residue are likely to be disease-causing. In summary, the available evidence is currently insufficient to determine the role of this variant in disease. Therefore, it has been classified as a Variant of Uncertain Significance.

Literature cited by the submitters: PubMed 23439489.

NM_000127.3(EXT1):c.1009C>T (p.Pro337Ser)

Gene: EXT1 (exostosin glycosyltransferase 1; minus strand). Cytogenetic location: 8q24.11.
Variant type: single nucleotide variant.
Coding change: c.1009C>T on transcript NM_000127.3 (MANE Select); coding-DNA position 1009, C replaced by T.
Protein change: p.Pro337Ser; replaces proline 337 with serine.
Molecular consequence: missense variant.
Genome position (GRCh38, 1-based): chr8:117,837,155, G>A on the plus strand (C>T on the coding strand, the complement: EXT1 is on the minus strand). VCF-style: chr8-117837155-G-A. GRCh37 (hg19) VCF-style: chr8-118849394-G-A.
Other names: short protein forms P337S.
Identifiers: ClinVar variation 3627765 (VCV003627765.2).